The following is an entry in ClinVar:

ClinVar aggregate classification (germline): Uncertain significance (0 of 4 stars; one submission).

Submission:

Leiden Open Variation Database
Classification: Uncertain significance. Last evaluated: 2018-08-25. Review status: no assertion criteria provided. Collection method: curation. Allele origin: germline. Affected: yes.
Comment: Curators: Marc Tischkowitz, Arleen D. Auerbach. Submitter to LOVD: Yukihide Momozawa.

Literature cited by the submitters: PubMed 30287823.

NM_024675.4(PALB2):c.1353A>T (p.Leu451Phe)

Gene: PALB2 (partner and localizer of BRCA2; minus strand). Cytogenetic location: 16p12.2.
Variant type: single nucleotide variant.
Coding change: c.1353A>T on transcript NM_024675.4 (MANE Select); coding-DNA position 1353, A replaced by T.
Protein change: p.Leu451Phe; replaces leucine 451 with phenylalanine.
Molecular consequence: missense variant.
Genome position (GRCh38, 1-based): chr16:23,635,193, T>A on the plus strand (A>T on the coding strand, the complement: PALB2 is on the minus strand). VCF-style: chr16-23635193-T-A. GRCh37 (hg19) VCF-style: chr16-23646514-T-A.
Other names: short protein forms L451F.
Identifiers: ClinVar variation 830136 (VCV000830136.1), dbSNP rs1966974752, ClinGen allele CA395131518.